The following is an entry in ClinVar:

NM_001375380.1(EBF3):c.288_289del (p.Lys97fs)

Gene: EBF3 (EBF transcription factor 3; minus strand). Cytogenetic location: 10q26.3.
Variant type: Microsatellite.
Coding change: c.288_289del on transcript NM_001375380.1 (MANE Select); coding-DNA positions 288 to 289, 2 bases deleted (GA; older notation c.288_289delGA).
Protein change: p.Lys97fs; shifts the reading frame from lysine 97.
Molecular consequence: frameshift variant.
Genome position (GRCh38, 1-based): chr10:129,963,369-129,963,370, TC deleted on the plus strand (GA on the coding strand, the reverse complement: EBF3 is on the minus strand); deleting any 2 consecutive bases within chr10:129,963,369-129,963,373 gives the same sequence; the c. name uses the placement nearest the transcript's 3' end. VCF-style (leftmost placement, unchanged base first): chr10-129963368-TTC-T. GRCh37 (hg19) VCF-style: chr10-131761632-TTC-T.
Other names: c.288_289del, p.Lys97fs (NM_001005463.3, NM_001375379.1, NM_001375389.1 and 3 more transcripts); short protein forms K97fs.
Identifiers: ClinVar variation 426170 (VCV000426170.2), dbSNP rs1085307482, ClinGen allele CA645294063.
Genomic context (GRCh38, chr10:129,963,368, plus strand): 5'-GCACCGCCTGCCTCCCGCTTCTAGAAAGAGAGAGGGTGTGATCGTGTGTTTGCACTTACT[TTC>T]TCTTTCTCCACAAAGTCCACAAAAGCGGTCCTTTCAATCTCCACCGGCTGCCCCTGCCTA-3'

ClinVar aggregate classification (germline): Pathogenic (1 of 4 stars; one submission).

Submission:

GeneDx
Classification: Pathogenic. Last evaluated: 2017-04-28. Review status: criteria provided, single submitter. Criteria: GeneDx Variant Classification (06012015). Collection method: clinical testing. Allele origin: germline. Affected: yes.
Comment: The c.288_289delGA variant in the EBF3 gene has not been reported previously as a pathogenic variant nor as a benign variant, to our knowledge. The c.288_289delGA variant causes a frameshift starting with codon Lysine 97, changes this amino acid to an Arginine residue, and creates a premature Stop codon at position 14 of the new reading frame, denoted p.Lys97ArgfsX14. This variant is predicted to cause loss of normal protein function either through protein truncation or nonsense-mediated mRNA decay. The c.288_289delGA variant is not observed in large population cohorts (Lek et al., 2016; 1000 Genomes Consortium et al., 2015; Exome Variant Server). We interpret c.288_289delGA as a pathogenic variant.